The following is an entry in ClinVar:

NM_198428.3(BBS9):c.1694-4G>A

Gene: BBS9 (Bardet-Biedl syndrome 9; plus strand). Cytogenetic location: 7p14.3.
Variant type: single nucleotide variant.
Coding change: c.1694-4G>A on transcript NM_198428.3 (MANE Select); 4 bases into the intron before coding-DNA position 1694, G replaced by A.
Molecular consequence: intron variant.
Genome position (GRCh38, 1-based): chr7:33,367,763, G>A. VCF-style: chr7-33367763-G-A. GRCh37 (hg19) VCF-style: chr7-33407375-G-A.
Other names: c.1694-4G>A (NM_198428.2, NM_001348036.1, NM_001362679.1 and 2 more transcripts); c.1421-4G>A (NM_001348038.3); c.1316-4G>A (NM_001348039.3); c.1679-4G>A (NM_001033605.2); c.1589-4G>A (NM_001033604.2); c.1574-4G>A (NM_014451.4, NM_001348040.3); c.1328-4G>A (NM_001348037.3, NM_001348045.3, NM_001348046.3); c.1559-4G>A (NM_001348042.3); and 1 more.
Identifiers: ClinVar variation 2700073 (VCV002700073.4), dbSNP rs1178458310, ClinGen allele CA573732520.

ClinVar aggregate classification (germline): Likely benign. Review status: criteria provided, single submitter (1 of 4 stars). 2 submissions from 2 submitters: Likely benign (1). 1 of the submissions does not count toward it. Last evaluated 2024-02-09.

Conditions:
Bardet-Biedl syndrome (BBS). Identifiers: Orphanet 110, MedGen C0752166, MONDO:0015229.
BBS9-related disorder. Also called: BBS9-related condition.

Allele frequency attached by ClinVar (database versions not stated): TOPMed 0.00001.
gnomAD v4.1: 3 of 1,613,454 alleles (0.00019%); highest among the groups gnomAD compares: East Asian, 0.0022%; no homozygotes.

Submissions (2):

Labcorp Genetics (formerly Invitae), Labcorp
Classification: Likely benign for Bardet-Biedl syndrome. Last evaluated: 2024-02-09. Review status: criteria provided, single submitter. Criteria: Invitae Variant Classification Sherloc (09022015). Collection method: clinical testing. Allele origin: germline.

PreventionGenetics, part of Exact Sciences
Classification: Likely benign for BBS9-related condition. Last evaluated: 2024-04-18. Review status: no assertion criteria provided. Collection method: clinical testing. Allele origin: germline. Not counted in ClinVar's aggregate classification.
Comment: This variant is classified as likely benign based on ACMG/AMP sequence variant interpretation guidelines (Richards et al. 2015 PMID: 25741868, with internal and published modifications).